The following is an entry in ClinVar:

ClinVar aggregate classification (germline): Uncertain significance (1 of 4 stars; one submission).

gnomAD v4.1: 1 of 1,612,708 alleles (0.000062%); highest among the groups gnomAD compares: African/African-American, 0.0013%; no homozygotes.

Submission:

Ambry Genetics
Classification: Uncertain significance. Last evaluated: 2024-10-11. Review status: criteria provided, single submitter. Criteria: Ambry Variant Classification Scheme 2023. Collection method: clinical testing. Allele origin: germline.
Comment: The p.R205L variant (also known as c.614G>T), located in coding exon 1 of the EGLN2 gene, results from a G to T substitution at nucleotide position 614. The arginine at codon 205 is replaced by leucine, an amino acid with dissimilar properties. This amino acid position is conserved. In addition, this alteration is predicted to be tolerated by in silico analysis. Based on the available evidence, the clinical significance of this variant remains unclear.

NM_080732.4(EGLN2):c.614G>T (p.Arg205Leu)

Genes: EGLN2 (egl-9 family hypoxia inducible factor 2; plus strand), RAB4B-EGLN2 (RAB4B-EGLN2 readthrough (NMD candidate); plus strand). Cytogenetic location: 19q13.2.
Variant type: single nucleotide variant.
Coding change: c.614G>T on transcript NM_080732.4 (MANE Select); coding-DNA position 614, G replaced by T.
Protein change: p.Arg205Leu; replaces arginine 205 with leucine.
Molecular consequence: missense variant. On other transcripts: non-coding transcript variant (1).
Genome position (GRCh38, 1-based): chr19:40,801,186, G>T. VCF-style: chr19-40801186-G-T. GRCh37 (hg19) VCF-style: chr19-41307091-G-T.
Other names: c.614G>T, p.Arg205Leu (NM_053046.4); short protein forms R205L.
Identifiers: ClinVar variation 3507292 (VCV003507292.1).